The following is an entry in ClinVar:

NM_001709.5(BDNF):c.114G>T (p.Arg38=)

Genes: BDNF (brain derived neurotrophic factor; minus strand), BDNF-AS (BDNF antisense RNA; plus strand). Cytogenetic location: 11p14.1.
Variant type: single nucleotide variant.
Coding change: c.114G>T on transcript NM_001709.5 (MANE Select); coding-DNA position 114, G replaced by T.
Protein change: p.Arg38=; no amino-acid change (arginine 38 retained).
Molecular consequence: synonymous variant. On other transcripts: non-coding transcript variant (5).
Genome position (GRCh38, 1-based): chr11:27,658,451, C>A on the plus strand (G>T on the coding strand, the complement: BDNF is on the minus strand). VCF-style: chr11-27658451-C-A. GRCh37 (hg19) VCF-style: chr11-27679998-C-A.
Other names: c.114G>T, p.Arg38= (NM_001143805.1, NM_001143806.1, NM_001143807.2 and 9 more transcripts); c.201G>T, p.Arg67= (NM_001143809.2); c.360G>T, p.Arg120= (NM_001143810.2); c.138G>T, p.Arg46= (NM_170731.5); c.159G>T, p.Arg53= (NM_170734.4).
Identifiers: ClinVar variation 3358655 (VCV003358655.1).

ClinVar aggregate classification (germline): Likely benign (0 of 4 stars; one submission).

Conditions:
BDNF-related disorder. Also called: BDNF-related condition.

gnomAD v4.1: 1 of 1,614,046 alleles (0.000062%); highest among the groups gnomAD compares: Admixed American, 0.0017%; no homozygotes.

Submission:

PreventionGenetics, part of Exact Sciences
Classification: Likely benign for BDNF-related condition. Last evaluated: 2021-02-22. Review status: no assertion criteria provided. Collection method: clinical testing. Allele origin: germline.
Comment: This variant is classified as likely benign based on ACMG/AMP sequence variant interpretation guidelines (Richards et al. 2015 PMID: 25741868, with internal and published modifications).